The following is an entry in ClinVar:

NM_006947.4(SRP72):c.1682A>G (p.Lys561Arg)

Gene: SRP72 (signal recognition particle 72; plus strand). Cytogenetic location: 4q12.
Variant type: single nucleotide variant.
Coding change: c.1682A>G on transcript NM_006947.4 (MANE Select); coding-DNA position 1682, A replaced by G.
Protein change: p.Lys561Arg; replaces lysine 561 with arginine.
Molecular consequence: missense variant. On other transcripts: non-coding transcript variant (1).
Genome position (GRCh38, 1-based): chr4:56,500,539, A>G. VCF-style: chr4-56500539-A-G. GRCh37 (hg19) VCF-style: chr4-57366705-A-G.
Other names: c.1682A>G (NM_006947.3); c.1499A>G, p.Lys500Arg (NM_001267722.2); short protein forms K500R, K561R.
Identifiers: ClinVar variation 2114977 (VCV002114977.6), dbSNP rs777979398, ClinGen allele CA2931463.

ClinVar aggregate classification (germline): Uncertain significance. Review status: criteria provided, multiple submitters, no conflicts (2 of 4 stars). 3 submissions from 3 submitters: Uncertain significance (3). Last evaluated 2025-11-03.

Conditions:
SRP72-related disorder. Also called: SRP72-related condition.

Allele frequency attached by ClinVar (database versions not stated): TOPMed below 0.00001; gnomAD exomes 0.00001; ExAC 0.00002.

Submissions (3):

Labcorp Genetics (formerly Invitae), Labcorp
Classification: Uncertain significance. Last evaluated: 2025-11-03. Review status: criteria provided, single submitter. Criteria: Invitae Variant Classification Sherloc (09022015). Collection method: clinical testing. Allele origin: germline.
Comment: This sequence change replaces lysine, which is basic and polar, with arginine, which is basic and polar, at codon 561 of the SRP72 protein (p.Lys561Arg). This variant is present in population databases (rs777979398, gnomAD 0.002%). This variant has not been reported in the literature in individuals affected with SRP72-related conditions. ClinVar contains an entry for this variant (Variation ID: 2114977). Invitae Evidence Modeling of protein sequence and biophysical properties (such as structural, functional, and spatial information, amino acid conservation, physicochemical variation, residue mobility, and thermodynamic stability) indicates that this missense variant is not expected to disrupt SRP72 protein function with a negative predictive value of 80%. In summary, the available evidence is currently insufficient to determine the role of this variant in disease. Therefore, it has been classified as a Variant of Uncertain Significance.

Ambry Genetics
Classification: Uncertain significance. Last evaluated: 2024-12-08. Review status: criteria provided, single submitter. Criteria: Ambry Variant Classification Scheme 2023. Collection method: clinical testing. Allele origin: germline.
Comment: The p.K561R variant (also known as c.1682A>G), located in coding exon 18 of the SRP72 gene, results from an A to G substitution at nucleotide position 1682. The lysine at codon 561 is replaced by arginine, an amino acid with highly similar properties. This amino acid position is conserved. In addition, the in silico prediction for this alteration is inconclusive. Based on the available evidence, the clinical significance of this variant remains unclear.

PreventionGenetics, part of Exact Sciences
Classification: Uncertain significance for SRP72-related condition. Last evaluated: 2024-12-02. Review status: criteria provided, single submitter. Criteria: ACMG Guidelines, 2015. Collection method: clinical testing. Allele origin: germline.
Comment: The SRP72 c.1682A>G variant is predicted to result in the amino acid substitution p.Lys561Arg. To our knowledge, this variant has not been reported in the literature. This variant is reported in 0.0027% of alleles in individuals of European (Non-Finnish) descent in gnomAD. At this time, the clinical significance of this variant is uncertain due to the absence of conclusive functional and genetic evidence.